The following is an entry in ClinVar:

NM_001042492.3(NF1):c.2761G>A (p.Val921Met)

Gene: NF1 (neurofibromin 1; plus strand). Cytogenetic location: 17q11.2.
Variant type: single nucleotide variant.
Coding change: c.2761G>A on transcript NM_001042492.3 (MANE Select); coding-DNA position 2761, G replaced by A.
Protein change: p.Val921Met; replaces valine 921 with methionine.
Molecular consequence: missense variant.
Genome position (GRCh38, 1-based): chr17:31,229,376, G>A. VCF-style: chr17-31229376-G-A. GRCh37 (hg19) VCF-style: chr17-29556394-G-A.
Other names: p.Val921Met; c.2761G>A, p.Val921Met (NM_000267.4); short protein forms V921M.
Identifiers: ClinVar variation 404512 (VCV000404512.53), dbSNP rs567023433, ClinGen allele CA8486024.

ClinVar aggregate classification (germline): Conflicting classifications of pathogenicity. Review status: criteria provided, conflicting classifications (1 of 4 stars). 5 submissions from 5 submitters: Uncertain significance (3); Likely benign (2). Last evaluated 2025-11-11.

Conditions:
Hereditary cancer-predisposing syndrome. Also called: Tumor predisposition; Neoplastic Syndromes, Hereditary; Hereditary Cancer Syndrome; Hereditary neoplastic syndrome. Identifiers: Orphanet 140162, MedGen C0027672, MeSH D009386, MONDO:0015356.
Cardiovascular phenotype. Identifiers: MedGen CN230736.
Neurofibromatosis, type 1 (NF1). Also called: Neurofibromatosis, type I; NEUROFIBROMATOSIS, TYPE I, SOMATIC; Peripheral type neurofibromatosis; VON RECKLINGHAUSEN DISEASE. Identifiers: Orphanet 636, MedGen C0027831, MONDO:0018975, OMIM 162200. Disease mechanism: loss of function.

Allele frequency attached by ClinVar (database versions not stated): gnomAD below 0.00001 and 0.00001; gnomAD exomes 0.00002 and 0.00006; ExAC 0.00006; 1000 Genomes Project 30x 0.00016; 1000 Genomes Project 0.00020.
gnomAD v4.1: 36 of 1,613,932 alleles (0.0022%); highest among the groups gnomAD compares: South Asian, 0.04%; no homozygotes.

Submissions (5):

Labcorp Genetics (formerly Invitae), Labcorp
Classification: Likely benign for Neurofibromatosis, type 1. Last evaluated: 2025-11-11. Review status: criteria provided, single submitter. Criteria: Invitae Variant Classification Sherloc (09022015). Collection method: clinical testing. Allele origin: germline.

Ambry Genetics
Classification: Likely benign for Cardiovascular phenotype; Hereditary cancer-predisposing syndrome. Last evaluated: 2023-08-24. Review status: criteria provided, single submitter. Criteria: Ambry Variant Classification Scheme 2023. Collection method: clinical testing. Allele origin: germline.

Women's Health and Genetics/Laboratory Corporation of America, LabCorp
Classification: Uncertain significance. Last evaluated: 2023-08-08. Review status: criteria provided, single submitter. Criteria: LabCorp Variant Classification Summary - May 2015. Collection method: clinical testing. Allele origin: germline.
Comment: Variant summary: NF1 c.2761G>A (p.Val921Met) results in a conservative amino acid change in the encoded protein sequence. Three of five in-silico tools predict a damaging effect of the variant on protein function. The variant allele was found at a frequency of 5.6e-05 in 251090 control chromosomes (gnomAD). This frequency is not significantly higher than estimated for a pathogenic variant in NF1 causing Neurofibromatosis Type 1 (5.6e-05 vs 0.00021), allowing no conclusion about variant significance. To our knowledge, no occurrence of c.2761G>A in individuals affected with Neurofibromatosis Type 1 and no experimental evidence demonstrating its impact on protein function have been reported. Four ClinVar submitters have assessed the variant since 2014: three classified the variant as uncertain significance, and one as likely benign. Based on the evidence outlined above, the variant was classified as uncertain significance.

Genome-Nilou Lab
Classification: Uncertain significance for Neurofibromatosis, type 1. Last evaluated: 2022-03-15. Review status: criteria provided, single submitter. Criteria: ACMG Guidelines, 2015. Collection method: clinical testing. Allele origin: germline. Affected: no.

Foundation for Research in Genetics and Endocrinology, FRIGE's Institute of Human Genetics
Classification: Uncertain significance for Neurofibromatosis, type 1. Last evaluated: 2021-04-29. Review status: criteria provided, single submitter. Criteria: ACMG Guidelines, 2015. Collection method: clinical testing. Allele origin: germline. Inheritance: Autosomal dominant inheritance. Affected: yes. Observed: 1 heterozygote.
Comment: A heterozygous missense variation in exon 21 of the NF1 gene that results in the amino acid substitution of Methionine for Valine at codon 921was detected. The observed variant c.2761G>A (p.Val921Met) variant has a minor allele frequency of 0.02% and 0.0007% in the 1000 genomes and gnomAD databases respectively. The in silico prediction of the variant is damaging by SIFT, LRT and MutationTaster2. The reference codon is conserved across species. In summary, the variant meets our criteria to be classified as a variant of uncertain significance.